The following is an entry in ClinVar:

NM_007055.4(POLR3A):c.*1695G>A

Gene: POLR3A (RNA polymerase III subunit A; minus strand). Cytogenetic location: 10q22.3.
Variant type: single nucleotide variant.
Coding change: c.*1695G>A on transcript NM_007055.4 (MANE Select); 1695 bases downstream of the stop codon, G replaced by A.
Molecular consequence: 3 prime UTR variant.
Genome position (GRCh38, 1-based): chr10:77,975,783, C>T on the plus strand (G>A on the coding strand, the complement: POLR3A is on the minus strand). VCF-style: chr10-77975783-C-T. GRCh37 (hg19) VCF-style: chr10-79735541-C-T.
Identifiers: ClinVar variation 301001 (VCV000301001.5), dbSNP rs61152426, ClinGen allele CA10636050.

ClinVar aggregate classification (germline): Benign (1 of 4 stars; one submission).

Conditions:
Leukodystrophy, hypomyelinating, 7, with or without oligodontia and/or hypogonadotropic hypogonadism (HLD7). Also called: LEUKOENCEPHALOPATHY, HYPOMYELINATING, WITH ATAXIA AND DELAYED DENTITION; ATAXIA, DELAYED DENTITION, AND HYPOMYELINATION; LEUKODYSTROPHY, HYPOMYELINATING, 7, WITH OLIGODONTIA; LEUKODYSTROPHY, HYPOMYELINATING, 7, WITH OLIGODONTIA AND HYPOGONADOTROPIC HYPOGONADISM; LEUKODYSTROPHY, HYPOMYELINATING, 7, WITHOUT OLIGODONTIA OR HYPOGONADOTROPIC HYPOGONADISM; Ataxia, Delayed Dentition and Hypomyelination (ADDH). Identifiers: Orphanet 137639, Orphanet 447893, Orphanet 447896, Orphanet 77295, Orphanet 88637, MedGen CN034185, MONDO:0011897, OMIM 607694.

Allele frequency attached by ClinVar (database versions not stated): gnomAD 0.01087 and 0.01137; TOPMed 0.01283; 1000 Genomes Project 0.01358; 1000 Genomes Project 30x 0.01452.

Submission:

Illumina Laboratory Services, Illumina
Classification: Benign for Leukodystrophy, hypomyelinating, 7, with or without oligodontia and/or hypogonadotropic hypogonadism. Last evaluated: 2018-01-13. Review status: criteria provided, single submitter. Criteria: ICSL Variant Classification Criteria 13 December 2019. Collection method: clinical testing. Allele origin: germline.
Comment: This variant was observed in the ICSL laboratory as part of a predisposition screen in an ostensibly healthy population. It had not been previously curated by ICSL or reported in the Human Gene Mutation Database (HGMD: prior to June 1st, 2018), and was therefore a candidate for classification through an automated scoring system. Utilizing variant allele frequency, disease prevalence and penetrance estimates, and inheritance mode, an automated score was calculated to assess if this variant is too frequent to cause the disease. Based on the score and internal cut-off values, a variant classified as benign is not then subjected to further curation. The score for this variant resulted in a classification of benign for this disease.